The following is an entry in ClinVar:

ClinVar aggregate classification (germline): Benign (0 of 4 stars; one submission).

Conditions:
TIAM1-related disorder. Also called: TIAM1-related condition.

Allele frequency attached by ClinVar (database versions not stated): ESP Exome Variant Server 0.06582; gnomAD 0.11503; TOPMed 0.11927; gnomAD exomes 0.12533; ExAC 0.17045; 1000 Genomes Project 30x 0.20487; 1000 Genomes Project 0.21346.
gnomAD v4.1: 201,262 of 1,613,994 alleles (12%); highest among the groups gnomAD compares: East Asian, 38%; 17,286 homozygotes.

Submission:

PreventionGenetics, part of Exact Sciences
Classification: Benign for TIAM1-related condition. Last evaluated: 2019-10-31. Review status: no assertion criteria provided. Collection method: clinical testing. Allele origin: germline.
Comment: This variant is classified as benign based on ACMG/AMP sequence variant interpretation guidelines (Richards et al. 2015 PMID: 25741868, with internal and published modifications).

NM_001353694.2(TIAM1):c.740G>T (p.Gly247Val)

Gene: TIAM1 (TIAM Rac1 associated GEF 1; minus strand). Cytogenetic location: 21q22.11.
Variant type: single nucleotide variant.
Coding change: c.740G>T on transcript NM_001353694.2 (MANE Select); coding-DNA position 740, G replaced by T.
Protein change: p.Gly247Val; replaces glycine 247 with valine.
Molecular consequence: missense variant.
Genome position (GRCh38, 1-based): chr21:31,266,233, C>A on the plus strand (G>T on the coding strand, the complement: TIAM1 is on the minus strand). VCF-style: chr21-31266233-C-A. GRCh37 (hg19) VCF-style: chr21-32638549-C-A.
Other names: c.740G>T, p.Gly247Val (NM_001353686.2, NM_001353687.2, NM_001353688.1 and 6 more transcripts); short protein forms G247V.
Identifiers: ClinVar variation 3060315 (VCV003060315.2), dbSNP rs2070417, ClinGen allele CA9998599.